The following is an entry in ClinVar:

NM_001985.3(ETFB):c.491G>T (p.Arg164Leu)

Gene: ETFB (electron transfer flavoprotein subunit beta; minus strand). Cytogenetic location: 19q13.41.
Variant type: single nucleotide variant.
Coding change: c.491G>T on transcript NM_001985.3 (MANE Select); coding-DNA position 491, G replaced by T.
Protein change: p.Arg164Leu; replaces arginine 164 with leucine.
Molecular consequence: missense variant.
Genome position (GRCh38, 1-based): chr19:51,347,006, C>A on the plus strand (G>T on the coding strand, the complement: ETFB is on the minus strand). VCF-style: chr19-51347006-C-A. GRCh37 (hg19) VCF-style: chr19-51850260-C-A.
Other names: c.764G>T, p.Arg255Leu (NM_001014763.1); short protein forms R255L, R164L.
Identifiers: ClinVar variation 4709913 (VCV004709913.1).

ClinVar aggregate classification (germline): Likely pathogenic (1 of 4 stars; one submission).

Conditions:
Multiple acyl-CoA dehydrogenase deficiency (MADD). Also called: Glutaric Acidemia type 2; Glutaric aciduria, type 2; Glutaric acidemia type II; GA 2; ETHYLMALONIC-ADIPICACIDURIA; GA II. Identifiers: Orphanet 26791, MedGen C0268596, MONDO:0009282, OMIM 231680.

Submission:

Labcorp Genetics (formerly Invitae), Labcorp
Classification: Likely pathogenic for Multiple acyl-CoA dehydrogenase deficiency. Last evaluated: 2026-01-21. Review status: criteria provided, single submitter. Criteria: Invitae Variant Classification Sherloc (09022015). Collection method: clinical testing. Allele origin: germline.
Comment: This sequence change replaces arginine, which is basic and polar, with leucine, which is neutral and non-polar, at codon 164 of the ETFB protein (p.Arg164Leu). This variant is not present in population databases (gnomAD no frequency). This variant has not been reported in the literature in individuals affected with ETFB-related conditions. Invitae Evidence Modeling of protein sequence and biophysical properties (such as structural, functional, and spatial information, amino acid conservation, physicochemical variation, residue mobility, and thermodynamic stability) indicates that this missense variant is expected to disrupt ETFB protein function with a positive predictive value of 95%. This variant disrupts the p.Arg164 amino acid residue in ETFB. Other variant(s) that disrupt this residue have been determined to be pathogenic (PMID: 7912128, 18289905). This suggests that this residue is clinically significant, and that variants that disrupt this residue are likely to be disease-causing. In summary, the currently available evidence indicates that the variant is pathogenic, but additional data are needed to prove that conclusively. Therefore, this variant has been classified as Likely Pathogenic.

Literature cited by the submitters: PubMed 7912128; PubMed 18289905.